The following is an entry in ClinVar:

ClinVar aggregate classification (germline): Uncertain significance (1 of 4 stars; one submission).

Conditions:
Hereditary intrinsic factor deficiency (IFD). Also called: Congenital intrinsic factor deficiency; PERNICIOUS ANEMIA, CONGENITAL, DUE TO DEFECT OF INTRINSIC FACTOR. Identifiers: Orphanet 332, MedGen C2062370, MONDO:0009852, OMIM 261000.

Allele frequency attached by ClinVar (database versions not stated): gnomAD 0.00001; TOPMed 0.00002.
gnomAD v4.1: 1 of 1,612,360 alleles (0.000062%); highest among the groups gnomAD compares: African/African-American, 0.0013%; no homozygotes.

Submission:

Labcorp Genetics (formerly Invitae), Labcorp
Classification: Uncertain significance for Hereditary intrinsic factor deficiency. Last evaluated: 2021-08-04. Review status: criteria provided, single submitter. Criteria: Invitae Variant Classification Sherloc (09022015). Collection method: clinical testing. Allele origin: germline.
Comment: In summary, the available evidence is currently insufficient to determine the role of this variant in disease. Therefore, it has been classified as a Variant of Uncertain Significance. Algorithms developed to predict the effect of missense changes on protein structure and function output the following: SIFT: "Tolerated"; PolyPhen-2: "Benign"; Align-GVGD: "Class C0". The arginine amino acid residue is found in multiple mammalian species, which suggests that this missense change does not adversely affect protein function. This variant has not been reported in the literature in individuals affected with GIF-related conditions. This variant is not present in population databases (ExAC no frequency). This sequence change replaces glutamine with arginine at codon 21 of the GIF protein (p.Gln21Arg). The glutamine residue is moderately conserved and there is a small physicochemical difference between glutamine and arginine.

NM_005142.3(CBLIF):c.62A>G (p.Gln21Arg)

Gene: CBLIF (cobalamin binding intrinsic factor; minus strand). Cytogenetic location: 11q12.1.
Variant type: single nucleotide variant.
Coding change: c.62A>G on transcript NM_005142.3 (MANE Select); coding-DNA position 62, A replaced by G.
Protein change: p.Gln21Arg; replaces glutamine 21 with arginine.
Molecular consequence: missense variant.
Genome position (GRCh38, 1-based): chr11:59,845,392, T>C on the plus strand (A>G on the coding strand, the complement: CBLIF is on the minus strand). VCF-style: chr11-59845392-T-C. GRCh37 (hg19) VCF-style: chr11-59612865-T-C.
Other names: short protein forms Q21R.
Identifiers: ClinVar variation 1980415 (VCV001980415.4), dbSNP rs1866591879, ClinGen allele CA380804959.
Genomic context (GRCh38, chr11:59,845,392, plus strand): 5'-GGCAACTGCTTCCCTGACCTCCTTGGAAAAACATCATACTCACAGCATGAACTCTGGGTC[T>C]GGGTACTAGTCCCAGCTGTAGCCCAGAGAAGGCTCAGGAGGTAGAGGGCAAACCAGGCCA-3'
Protein context (NP_005133.2, residues 11-31): LLWATAGTST[Gln21Arg]TQSSCSVPSA